The following is an entry in ClinVar:

NM_012414.4(RAB3GAP2):c.3991C>A (p.Leu1331Ile)

Gene: RAB3GAP2 (RAB3 GTPase activating non-catalytic protein subunit 2; minus strand). Cytogenetic location: 1q41.
Variant type: single nucleotide variant.
Coding change: c.3991C>A on transcript NM_012414.4 (MANE Select); coding-DNA position 3991, C replaced by A.
Protein change: p.Leu1331Ile; replaces leucine 1331 with isoleucine.
Molecular consequence: missense variant.
Genome position (GRCh38, 1-based): chr1:220,151,641, G>T on the plus strand (C>A on the coding strand, the complement: RAB3GAP2 is on the minus strand). VCF-style: chr1-220151641-G-T. GRCh37 (hg19) VCF-style: chr1-220324983-G-T.
Other names: short protein forms L1331I.
Identifiers: ClinVar variation 287195 (VCV000287195.38), dbSNP rs149842844, ClinGen allele CA1401990.
Genomic context (GRCh38, chr1:220,151,641, plus strand): 5'-CCTGATCTCGTTCTATTGTACTGACCATTGCTTTCAGCCAAGTACACAGTGTGGGTGGAA[G>T]TCTGGCAAGCAGCTCCATTCCTTCTTTTGTCTGGGTGTGGAGAAGCGCATGAGCCAGCCT-3'
Protein context (NP_036546.2, residues 1321-1341): TKEGMELLAR[Leu1331Ile]PPTLCTWLKA

ClinVar aggregate classification (germline): Benign/Likely benign. Review status: criteria provided, multiple submitters, no conflicts (2 of 4 stars). 7 submissions from 6 submitters: Benign (1); Likely benign (5). 1 of the submissions does not count toward it. Last evaluated 2026-06-01.

Conditions:
RAB3GAP2-related disorder. Also called: RAB3GAP2-related condition; RAB3GAP2-related disorders.
Warburg micro syndrome 2 (WARBM2). Also called: MICRO SYNDROME 2. Identifiers: Orphanet 2510, MedGen C3280214, MONDO:0013641, OMIM 614225.
Martsolf syndrome (MARTS). Also called: Congenital cataract with intellectual disability and hypogonadotropic hypogonadism syndrome. Identifiers: Orphanet 1387, MedGen C0796037, MONDO:0023910.

Allele frequency attached by ClinVar (database versions not stated): gnomAD exomes 0.00086 and 0.00058; TOPMed 0.00087; ESP Exome Variant Server 0.00046; gnomAD 0.00048 and 0.00050; 1000 Genomes Project 0.00060; 1000 Genomes Project 30x 0.00062; ExAC 0.00083.
gnomAD v4.1: 924 of 1,612,332 alleles (0.057%); highest among the groups gnomAD compares: Admixed American, 0.38%; 3 homozygotes.

Submissions (7):

CeGaT Center for Human Genetics Tuebingen
Classification: Likely benign. Last evaluated: 2026-06-01. Review status: criteria provided, single submitter. Criteria: CeGaT Center For Human Genetics Tuebingen Variant Classification Criteria Version 2. Collection method: clinical testing. Allele origin: germline. Affected: yes. Observed: 5 variant alleles.
Comment: RAB3GAP2: BS2

Labcorp Genetics (formerly Invitae), Labcorp
Classification: Benign for Martsolf syndrome; Warburg micro syndrome 2. Last evaluated: 2026-01-22. Review status: criteria provided, single submitter. Criteria: Invitae Variant Classification Sherloc (09022015). Collection method: clinical testing. Allele origin: germline.

Illumina Laboratory Services, Illumina
Classification: Likely benign for Martsolf syndrome 1. Last evaluated: 2018-01-13. Review status: criteria provided, single submitter. Criteria: ICSL Variant Classification Criteria 13 December 2019. Collection method: clinical testing. Allele origin: germline.
Comment: This variant was observed in the ICSL laboratory as part of a predisposition screen in an ostensibly healthy population. It had not been previously curated by ICSL or reported in the Human Gene Mutation Database (HGMD: prior to June 1st, 2018), and was therefore a candidate for classification through an automated scoring system. Utilizing variant allele frequency, disease prevalence and penetrance estimates, and inheritance mode, an automated score was calculated to assess if this variant is too frequent to cause the disease. Based on the score and internal cut-off values, a variant classified as likely benign is not then subjected to further curation. The score for this variant resulted in a classification of likely benign for this disease.

Illumina Laboratory Services, Illumina
Classification: Likely benign for Warburg micro syndrome 2. Last evaluated: 2018-01-13. Review status: criteria provided, single submitter. Criteria: ICSL Variant Classification Criteria 13 December 2019. Collection method: clinical testing. Allele origin: germline.
Comment: the same text as in the submission from Illumina Laboratory Services, Illumina above.

Genetic Services Laboratory, University of Chicago
Classification: Likely benign. Last evaluated: 2017-02-20. Review status: criteria provided, single submitter. Criteria: ACMG Guidelines, 2015. Collection method: clinical testing. Allele origin: germline. Affected: no.

Eurofins Ntd Llc (ga)
Classification: Likely benign. Last evaluated: 2016-04-15. Review status: criteria provided, single submitter. Criteria: EGL Classification Definitions 2015. Collection method: clinical testing. Allele origin: germline. Observed: 1 variant allele, 1 heterozygote.

PreventionGenetics, part of Exact Sciences
Classification: Likely benign for RAB3GAP2-related condition. Last evaluated: 2020-04-02. Review status: no assertion criteria provided. Collection method: clinical testing. Allele origin: germline. Not counted in ClinVar's aggregate classification.
Comment: This variant is classified as likely benign based on ACMG/AMP sequence variant interpretation guidelines (Richards et al. 2015 PMID: 25741868, with internal and published modifications).